The following is an entry in ClinVar:

ClinVar aggregate classification (germline): Pathogenic (1 of 4 stars; one submission).

Conditions:
Factor VIII deficiency. Identifiers: MedGen C3494187, OMIM 134500.
Hereditary von Willebrand disease. Identifiers: Orphanet 903, MedGen C5703318, MONDO:0019565. Inheritance: Autosomal recessive or Autosomal dominant.

Submission:

North West Genomic Laboratory Hub, Manchester University NHS Foundation Trust
Classification: Pathogenic for Factor VIII deficiency; von Willebrand disease. Last evaluated: 2025-03-27. Review status: criteria provided, single submitter. Criteria: ACGS Best Practice Guidelines for Variant Classification in Rare Disease 2024. Collection method: clinical testing. Allele origin: germline. Affected: yes.
Comment: PP4_Mod PVS1_VStr PM2_Mod

NM_000132.4(F8):c.3874del (p.Glu1292fs)

Gene: F8 (coagulation factor VIII; minus strand). Cytogenetic location: Xq28.
Variant type: Deletion.
Coding change: c.3874del on transcript NM_000132.4 (MANE Select); coding-DNA position 3874, one base deleted (G; older notation c.3874delG).
Protein change: p.Glu1292fs; shifts the reading frame from glutamic acid 1292.
Molecular consequence: frameshift variant.
Genome position (GRCh38, 1-based): chrX:154,929,916, C deleted on the plus strand (G on the coding strand, the reverse complement: F8 is on the minus strand); the first of 4 consecutive C bases (chrX:154,929,916-154,929,919); deleting any one gives the same sequence. VCF-style (leftmost placement, unchanged base first): chrX-154929915-TC-T. GRCh37 (hg19) VCF-style: chrX-154158190-TC-T.
Other names: short protein forms E1292fs.
Identifiers: ClinVar variation 4886883 (VCV004886883.1).